The following is an entry in ClinVar:

NM_000044.6(AR):c.528C>A (p.Ser176Arg)

Gene: AR (androgen receptor; plus strand). Cytogenetic location: Xq12.
Variant type: single nucleotide variant.
Coding change: c.528C>A on transcript NM_000044.6 (MANE Select); coding-DNA position 528, C replaced by A.
Protein change: p.Ser176Arg; replaces serine 176 with arginine.
Molecular consequence: missense variant. On other transcripts: 5 prime UTR variant (1).
Genome position (GRCh38, 1-based): chrX:67,545,674, C>A. VCF-style: chrX-67545674-C-A. GRCh37 (hg19) VCF-style: chrX-66765516-C-A.
Other names: c.528C>A (NM_000044.3); c.-1256C>A (NM_001011645.3); c.528C>A, p.Ser176Arg (NM_001348061.1, NM_001348063.1, NM_001348064.1); short protein forms S176R.
Identifiers: ClinVar variation 804018 (VCV000804018.31), dbSNP rs777131133, ClinGen allele CA10436287.

ClinVar aggregate classification (germline): Benign/Likely benign. Review status: criteria provided, multiple submitters, no conflicts (2 of 4 stars). 6 submissions from 6 submitters: Benign (2); Likely benign (3). 1 of the submissions does not count toward it. Last evaluated 2024-05-28.

Conditions:
Kennedy disease (SMAX1). Also called: Spinal and Bulbar Muscular Atrophy; KENNEDY SPINAL AND BULBAR MUSCULAR ATROPHY; SPINAL AND BULBAR MUSCULAR ATROPHY, X-LINKED 1. Identifiers: Orphanet 481, MedGen C1839259, MONDO:0010735, OMIM 313200.
Androgen resistance syndrome (AIS). Also called: TESTICULAR FEMINIZATION SYNDROME; Androgen insensitivity, complete; Androgen insensitivity; DHTR DEFICIENCY; Androgen insensitivity syndrome due to coactivator deficiency; Androgen insensitivity syndrome. Identifiers: Orphanet 754, Orphanet 99429, MedGen C0039585, MONDO:0019154, OMIM 300068. Disease mechanism: loss of function.
Partial androgen insensitivity syndrome (PAIS). Also called: Pseudohermaphroditism, Incomplete male, type I; Reifenstein syndrome, partial; Androgen resistance syndrome, partial; Type I familial incomplete male pseudohermaphroditism; Reifenstein syndrome; Gynecomastia, familial. Identifiers: Orphanet 90797, MedGen C0268301, MONDO:0010720, OMIM 312300.
Prostate cancer. Also called: Malignant tumor of prostate. Identifiers: Orphanet 1331, MedGen C0376358, MONDO:0008315, HP:0012125.
Hypospadias 1, X-linked (HYSP1). Identifiers: Orphanet 440, MedGen C2678098, MONDO:0010384, OMIM 300633.
AR-related disorder. Also called: AR-related condition.

Allele frequency attached by ClinVar (database versions not stated): gnomAD exomes 0.00014 and 0.00066; gnomAD 0.00024 and 0.00026; TOPMed 0.00046; 1000 Genomes Project 0.00053; 1000 Genomes Project 30x 0.00062; ExAC 0.00113.
gnomAD v4.1: 182 of 1,201,360 alleles (0.015%); highest among the groups gnomAD compares: East Asian, 0.45%; 1 homozygote.

Submissions (6):

Labcorp Genetics (formerly Invitae), Labcorp
Classification: Benign for Kennedy disease; Androgen resistance syndrome. Last evaluated: 2024-05-28. Review status: criteria provided, single submitter. Criteria: Invitae Variant Classification Sherloc (09022015). Collection method: clinical testing. Allele origin: germline.

CeGaT Center for Human Genetics Tuebingen
Classification: Likely benign. Last evaluated: 2023-03-01. Review status: criteria provided, single submitter. Criteria: CeGaT Center For Human Genetics Tuebingen Variant Classification Criteria Version 2. Collection method: clinical testing. Allele origin: germline. Affected: yes. Observed: 1 variant allele.
Comment: AR: BS2

Fulgent Genetics
Classification: Likely benign for Familial prostate cancer; Androgen resistance syndrome; Hypospadias 1, X-linked; Partial androgen insensitivity syndrome; Kennedy disease. Last evaluated: 2021-10-27. Review status: criteria provided, single submitter. Criteria: ACMG Guidelines, 2015. Collection method: clinical testing. Allele origin: unknown.

Mendelics
Classification: Benign for Androgen resistance syndrome. Last evaluated: 2019-05-28. Review status: criteria provided, single submitter. Criteria: Mendelics Assertion Criteria 2017. Collection method: clinical testing. Allele origin: unknown.

Breakthrough Genomics
Classification: Likely benign. Review status: criteria provided, single submitter. Criteria: ACMG Guidelines, 2015. Collection method: not provided. Allele origin: germline. Inheritance: X-linked inheritance. Affected: yes.

PreventionGenetics, part of Exact Sciences
Classification: Likely benign for AR-related condition. Last evaluated: 2023-01-24. Review status: no assertion criteria provided. Collection method: clinical testing. Allele origin: germline. Not counted in ClinVar's aggregate classification.
Comment: This variant is classified as likely benign based on ACMG/AMP sequence variant interpretation guidelines (Richards et al. 2015 PMID: 25741868, with internal and published modifications).